The following is an entry in ClinVar:

ClinVar aggregate classification (germline): Uncertain significance. Review status: criteria provided, multiple submitters, no conflicts (2 of 4 stars). 4 submissions from 4 submitters: Uncertain significance (4). Last evaluated 2024-12-31.

Conditions:
Congenital muscular dystrophy due to integrin alpha-7 deficiency. Also called: MYOPATHY, CONGENITAL, DUE TO INTEGRIN ALPHA-7 DEFICIENCY; Congenital muscular dystrophy with integrin alpha-7 deficiency; Muscular dystrophy, congenital, due to ITGA7 deficiency. Identifiers: Orphanet 34520, MedGen C2750786, MONDO:0013177, OMIM 613204.

Allele frequency attached by ClinVar (database versions not stated): gnomAD exomes 0.00003 and 0.00004; TOPMed 0.00003; gnomAD 0.00004 and 0.00005; ExAC 0.00005; 1000 Genomes Project 30x 0.00016; 1000 Genomes Project 0.00020.
gnomAD v4.1: 51 of 1,614,202 alleles (0.0032%); highest among the groups gnomAD compares: East Asian, 0.025%; no homozygotes.

Submissions (4):

Ambry Genetics
Classification: Uncertain significance. Last evaluated: 2024-12-31. Review status: criteria provided, single submitter. Criteria: Ambry Variant Classification Scheme 2023. Collection method: clinical testing. Allele origin: germline.

Revvity Omics, Revvity
Classification: Uncertain significance for Congenital muscular dystrophy due to integrin alpha-7 deficiency. Last evaluated: 2024-02-20. Review status: criteria provided, single submitter. Criteria: ACMG Guidelines, 2015. Collection method: clinical testing. Allele origin: germline.

GeneDx
Classification: Uncertain significance. Last evaluated: 2023-07-26. Review status: criteria provided, single submitter. Criteria: GeneDx Variant Classification Process June 2021. Collection method: clinical testing. Allele origin: germline. Affected: yes.
Comment: In silico analysis supports that this missense variant has a deleterious effect on protein structure/function; Has not been previously published as pathogenic or benign to our knowledge; This variant is associated with the following publications: (PMID: 26655088)

Labcorp Genetics (formerly Invitae), Labcorp
Classification: Uncertain significance for Congenital muscular dystrophy due to integrin alpha-7 deficiency. Last evaluated: 2022-01-13. Review status: criteria provided, single submitter. Criteria: Invitae Variant Classification Sherloc (09022015). Collection method: clinical testing. Allele origin: germline.
Comment: This sequence change replaces arginine, which is basic and polar, with tryptophan, which is neutral and slightly polar, at codon 1085 of the ITGA7 protein (p.Arg1085Trp). This variant is present in population databases (rs200346980, gnomAD 0.04%). This variant has not been reported in the literature in individuals affected with ITGA7-related conditions. ClinVar contains an entry for this variant (Variation ID: 851657). Algorithms developed to predict the effect of missense changes on protein structure and function are either unavailable or do not agree on the potential impact of this missense change (SIFT: "Tolerated"; PolyPhen-2: "Possibly Damaging"; Align-GVGD: "Class C0"). In summary, the available evidence is currently insufficient to determine the role of this variant in disease. Therefore, it has been classified as a Variant of Uncertain Significance.

NM_002206.3(ITGA7):c.3253C>T (p.Arg1085Trp)

Gene: ITGA7 (integrin subunit alpha 7; minus strand). Cytogenetic location: 12q13.2.
Variant type: single nucleotide variant.
Coding change: c.3253C>T on transcript NM_002206.3 (MANE Select); coding-DNA position 3253, C replaced by T.
Protein change: p.Arg1085Trp; replaces arginine 1085 with tryptophan.
Molecular consequence: missense variant.
Genome position (GRCh38, 1-based): chr12:55,685,219, G>A on the plus strand (C>T on the coding strand, the complement: ITGA7 is on the minus strand). VCF-style: chr12-55685219-G-A. GRCh37 (hg19) VCF-style: chr12-56079003-G-A.
Other names: c.3265C>T, p.Arg1089Trp (NM_001144996.2); c.2974C>T, p.Arg992Trp (NM_001144997.2); c.2926C>T, p.Arg976Trp (NM_001367993.1); c.1909C>T, p.Arg637Trp (NM_001367994.1); c.3235C>T, p.Arg1079Trp (NM_001374465.1); c.3385C>T, p.Arg1129Trp (NM_001410977.1); c.3247C>T, p.Arg1083Trp (NM_001414029.1); c.3178C>T, p.Arg1060Trp (NM_001414030.1); and 5 more; short protein forms R1089W, R637W, R992W, R1079W, R1085W, R976W, R1129W, R1024W.
Identifiers: ClinVar variation 851657 (VCV000851657.10), dbSNP rs200346980, ClinGen allele CA6615259.
Genomic context (GRCh38, chr12:55,685,219, plus strand): 5'-CCCAGTTGTTCCTCAGGATGGTGCCCGTCTTCTCCTCCTTGAACTGCTGTCGGTCTTCCC[G>A]AGGAATCTTCACCGCATGGTACTGGGGCACGGTGGCCTCGGGGTGCTTCGCCCGTTTGAA-3'
Protein context (NP_002197.2, residues 1075-1095): VPQYHAVKIP[Arg1085Trp]EDRQQFKEEK